The following is an entry in ClinVar:

NM_138927.4(SON):c.5754T>C (p.Val1918=)

Gene: SON (SON DNA and RNA binding protein; plus strand). Cytogenetic location: 21q22.11.
Variant type: single nucleotide variant.
Coding change: c.5754T>C on transcript NM_138927.4 (MANE Select); coding-DNA position 5754, T replaced by C.
Protein change: p.Val1918=; no amino-acid change (valine 1918 retained).
Molecular consequence: synonymous variant. On other transcripts: non-coding transcript variant (1), intron variant (1).
Genome position (GRCh38, 1-based): chr21:33,554,985, T>C. VCF-style: chr21-33554985-T-C. GRCh37 (hg19) VCF-style: chr21-34927291-T-C.
Other names: c.5754T>C, p.Val1918= (NM_001291411.2, NM_032195.3); c.245-2171T>C (NM_001291412.3); c.5754T>C (NM_138927.2).
Identifiers: ClinVar variation 782792 (VCV000782792.37), dbSNP rs150122403, ClinGen allele CA10009793.

ClinVar aggregate classification (germline): Benign. Review status: criteria provided, multiple submitters, no conflicts (2 of 4 stars). 6 submissions from 6 submitters: Benign (3). 3 of the submissions do not count toward it. Last evaluated 2026-08-01.

Conditions:
SON-related disorder. Also called: SON-related condition.

Allele frequency attached by ClinVar (database versions not stated): 1000 Genomes Project 0.00140; 1000 Genomes Project 30x 0.00172; gnomAD 0.00275 and 0.00291; TOPMed 0.00282; gnomAD exomes 0.00290; ExAC 0.00311; ESP Exome Variant Server 0.00346.

Submissions (6):

CeGaT Center for Human Genetics Tuebingen
Classification: Benign. Last evaluated: 2026-08-01. Review status: criteria provided, single submitter. Criteria: CeGaT Center For Human Genetics Tuebingen Variant Classification Criteria Version 2. Collection method: clinical testing. Allele origin: germline. Affected: yes. Observed: 15 variant alleles.
Comment: SON: BP4, BP7, BS1, BS2

Labcorp Genetics (formerly Invitae), Labcorp
Classification: Benign. Last evaluated: 2026-01-27. Review status: criteria provided, single submitter. Criteria: Invitae Variant Classification Sherloc (09022015). Collection method: clinical testing. Allele origin: germline.

Blueprint Genetics
Classification: Benign. Last evaluated: 2024-11-26. Review status: criteria provided, single submitter. Criteria: ACMG Guidelines, 2015. Collection method: clinical testing. Allele origin: germline.

PreventionGenetics, part of Exact Sciences
Classification: Benign for SON-related condition. Last evaluated: 2019-07-08. Review status: no assertion criteria provided. Collection method: clinical testing. Allele origin: germline. Not counted in ClinVar's aggregate classification.
Comment: This variant is classified as benign based on ACMG/AMP sequence variant interpretation guidelines (Richards et al. 2015 PMID: 25741868, with internal and published modifications).

Clinical Genetics DNA and cytogenetics Diagnostics Lab, Erasmus MC, Erasmus Medical Center
Classification: Likely benign. Review status: no assertion criteria provided. Collection method: clinical testing. Allele origin: germline. Affected: yes. Study: VKGL Data-share Consensus. Not counted in ClinVar's aggregate classification.

Genome Diagnostics Laboratory, University Medical Center Utrecht
Classification: Likely benign. Review status: no assertion criteria provided. Collection method: clinical testing. Allele origin: germline. Affected: yes. Study: VKGL Data-share Consensus. Not counted in ClinVar's aggregate classification.